The following is an entry in ClinVar:

ClinVar aggregate classification (germline): Uncertain significance (1 of 4 stars; one submission).

Conditions:
Mendelian susceptibility to mycobacterial diseases due to partial STAT1 deficiency. Also called: IMMUNODEFICIENCY 31A, MYCOBACTERIOSIS, AUTOSOMAL DOMINANT; STAT1 DEFICIENCY, AUTOSOMAL DOMINANT; Immunodeficiency 31a. Identifiers: Orphanet 319595, MedGen C4013950, MONDO:0013956, OMIM 614892.
Immunodeficiency 31B. Also called: IMMUNODEFICIENCY 31B, MYCOBACTERIAL AND VIRAL INFECTIONS, AUTOSOMAL RECESSIVE; STAT1 DEFICIENCY, AUTOSOMAL RECESSIVE. Identifiers: Orphanet 391311, MedGen C3151088, MONDO:0013427, OMIM 613796.
Autoimmune enteropathy and endocrinopathy - susceptibility to chronic infections syndrome. Also called: Immunodeficiency 31C; Immunodeficiency 31C, autosomal dominant. Identifiers: Orphanet 391487, MedGen C3279990, MONDO:0013599, OMIM 614162.

Submission:

Labcorp Genetics (formerly Invitae), Labcorp
Classification: Uncertain significance for Mendelian susceptibility to mycobacterial diseases due to partial STAT1 deficiency; Immunodeficiency 31B; Autoimmune enteropathy and endocrinopathy - susceptibility to chronic infections syndrome. Last evaluated: 2024-08-14. Review status: criteria provided, single submitter. Criteria: Invitae Variant Classification Sherloc (09022015). Collection method: clinical testing. Allele origin: germline.
Comment: This sequence change replaces arginine, which is basic and polar, with glycine, which is neutral and non-polar, at codon 70 of the STAT1 protein (p.Arg70Gly). This variant is not present in population databases (gnomAD no frequency). This variant has not been reported in the literature in individuals affected with STAT1-related conditions. An algorithm developed to predict the effect of missense changes on protein structure and function (PolyPhen-2) suggests that this variant is likely to be disruptive. In summary, the available evidence is currently insufficient to determine the role of this variant in disease. Therefore, it has been classified as a Variant of Uncertain Significance.

NM_007315.4(STAT1):c.208C>G (p.Arg70Gly)

Gene: STAT1 (signal transducer and activator of transcription 1; minus strand). Cytogenetic location: 2q32.2.
Variant type: single nucleotide variant.
Coding change: c.208C>G on transcript NM_007315.4 (MANE Select); coding-DNA position 208, C replaced by G.
Protein change: p.Arg70Gly; replaces arginine 70 with glycine.
Molecular consequence: missense variant.
Genome position (GRCh38, 1-based): chr2:191,009,028, G>C on the plus strand (C>G on the coding strand, the complement: STAT1 is on the minus strand). VCF-style: chr2-191009028-G-C. GRCh37 (hg19) VCF-style: chr2-191873754-G-C.
Other names: c.208C>G, p.Arg70Gly (NM_001384880.1, NM_001384882.1, NM_001384883.1 and 7 more transcripts); c.214C>G, p.Arg72Gly (NM_001384881.1, NM_001384884.1); c.244C>G, p.Arg82Gly (NM_001384891.1); short protein forms R72G, R82G, R70G.
Identifiers: ClinVar variation 2948873 (VCV002948873.3), dbSNP rs2470565317, ClinGen allele CA349927977.